The following is an entry in ClinVar:

ClinVar aggregate classification (germline): Uncertain significance (1 of 4 stars; one submission).

Allele frequency attached by ClinVar (database versions not stated): gnomAD exomes below 0.00001; gnomAD 0.00001; TOPMed 0.00001.
gnomAD v4.1: 3 of 1,599,622 alleles (0.00019%); highest among the groups gnomAD compares: Admixed American, 0.0051%; no homozygotes.

Submission:

ARUP Laboratories, Molecular Genetics and Genomics, ARUP Laboratories
Classification: Uncertain significance. Last evaluated: 2020-01-06. Review status: criteria provided, single submitter. Criteria: ARUP Molecular Germline Variant Investigation Process. Collection method: clinical testing. Allele origin: germline.
Comment: The EPHB4 c.1549C>A; p.Pro517Thr variant (rs1457869824), to our knowledge, is not reported in the medical literature or gene specific databases. This variant is only observed on one allele in the Genome Aggregation Database, but is considered a low confidence variant in the database. The proline at codon 517 is moderately conserved, and computational analyses (SIFT, PolyPhen-2) predict that this variant is tolerated. Due to limited information, the clinical significance of this variant is uncertain at this time.

NM_004444.5(EPHB4):c.1549C>A (p.Pro517Thr)

Gene: EPHB4 (EPH receptor B4; minus strand). Cytogenetic location: 7q22.1.
Variant type: single nucleotide variant.
Coding change: c.1549C>A on transcript NM_004444.5 (MANE Select); coding-DNA position 1549, C replaced by A.
Protein change: p.Pro517Thr; replaces proline 517 with threonine.
Molecular consequence: missense variant.
Genome position (GRCh38, 1-based): chr7:100,817,231, G>T on the plus strand (C>A on the coding strand, the complement: EPHB4 is on the minus strand). VCF-style: chr7-100817231-G-T. GRCh37 (hg19) VCF-style: chr7-100414853-G-T.
Other names: short protein forms P517T.
Identifiers: ClinVar variation 995604 (VCV000995604.8), dbSNP rs1457869824, ClinGen allele CA368572784.